The following is an entry in ClinVar:

ClinVar aggregate classification (germline): Uncertain significance (1 of 4 stars; one submission).

gnomAD v4.1: 7 of 1,595,094 alleles (0.00044%); highest among the groups gnomAD compares: Admixed American, 0.0052%; no homozygotes.

Submission:

Labcorp Genetics (formerly Invitae), Labcorp
Classification: Uncertain significance. Last evaluated: 2025-05-18. Review status: criteria provided, single submitter. Criteria: Invitae Variant Classification Sherloc (09022015). Collection method: clinical testing. Allele origin: germline.
Comment: This sequence change replaces histidine, which is basic and polar, with tyrosine, which is neutral and polar, at codon 11 of the ABCC8 protein (p.His11Tyr). This variant is present in population databases (rs751082043, gnomAD 0.01%). This variant has not been reported in the literature in individuals affected with ABCC8-related conditions. Invitae Evidence Modeling of protein sequence and biophysical properties (such as structural, functional, and spatial information, amino acid conservation, physicochemical variation, residue mobility, and thermodynamic stability) indicates that this missense variant is not expected to disrupt ABCC8 protein function with a negative predictive value of 95%. In summary, the available evidence is currently insufficient to determine the role of this variant in disease. Therefore, it has been classified as a Variant of Uncertain Significance.

NM_000352.6(ABCC8):c.31C>T (p.His11Tyr)

Gene: ABCC8 (ATP binding cassette subfamily C member 8; minus strand). Cytogenetic location: 11p15.1.
Variant type: single nucleotide variant.
Coding change: c.31C>T on transcript NM_000352.6 (MANE Select); coding-DNA position 31, C replaced by T.
Protein change: p.His11Tyr; replaces histidine 11 with tyrosine.
Molecular consequence: missense variant. On other transcripts: non-coding transcript variant (1).
Genome position (GRCh38, 1-based): chr11:17,476,746, G>A on the plus strand (C>T on the coding strand, the complement: ABCC8 is on the minus strand). VCF-style: chr11-17476746-G-A. GRCh37 (hg19) VCF-style: chr11-17498293-G-A.
Other names: c.31C>T, p.His11Tyr (NM_001287174.3, NM_001351295.2, NM_001351296.2 and 1 more transcripts); short protein forms H11Y.
Identifiers: ClinVar variation 4750568 (VCV004750568.1).
Genomic context (GRCh38, chr11:17,476,746, plus strand): 5'-GCGCGTCCACAAAGCAGCCGTTGTTGAGGACCCCCTGGTCCACCCGGTAGGCGGCCGAGT[G>A]GTTCTCGCTGCCGCAGAAGGCCAGGGGCATGGCGGCGCGGGCGCGGGCTGGGCTCGGGCT-3'
Protein context (NP_000343.2, residues 1-21): MPLAFCGSEN[His11Tyr]SAAYRVDQGV